The following is an entry in ClinVar:

ClinVar aggregate classification (germline): Conflicting classifications of pathogenicity. Review status: criteria provided, conflicting classifications (1 of 4 stars). 2 submissions from 2 submitters: Uncertain significance (1); Likely benign (1). Last evaluated 2024-10-15.

gnomAD v4.1: 232 of 1,542,416 alleles (0.015%); highest among the groups gnomAD compares: South Asian, 0.066%; 1 homozygote.

Submissions (2):

Blueprint Genetics
Classification: Likely benign. Last evaluated: 2024-10-15. Review status: criteria provided, single submitter. Criteria: ACMG Guidelines, 2015. Collection method: clinical testing. Allele origin: germline.

Labcorp Genetics (formerly Invitae), Labcorp
Classification: Uncertain significance. Last evaluated: 2024-05-14. Review status: criteria provided, single submitter. Criteria: Invitae Variant Classification Sherloc (09022015). Collection method: clinical testing. Allele origin: germline.
Comment: This sequence change falls in intron 15 of the PIEZO1 gene. It does not directly change the encoded amino acid sequence of the PIEZO1 protein. It affects a nucleotide within the consensus splice site. This variant is present in population databases (rs541569160, gnomAD 0.08%). This variant has not been reported in the literature in individuals affected with PIEZO1-related conditions. Variants that disrupt the consensus splice site are a relatively common cause of aberrant splicing (PMID: 17576681, 9536098). Algorithms developed to predict the effect of sequence changes on RNA splicing suggest that this variant is not likely to affect RNA splicing. In summary, the available evidence is currently insufficient to determine the role of this variant in disease. Therefore, it has been classified as a Variant of Uncertain Significance.

Literature cited by the submitters: PubMed 17576681 (cited by Labcorp Genetics (formerly Invitae), Labcorp); PubMed 9536098 (cited by Labcorp Genetics (formerly Invitae), Labcorp).

NM_001142864.4(PIEZO1):c.1998-3C>T

Genes: HSALR1 (HSP90AB1 associated lncRNA 1; plus strand), PIEZO1 (piezo type mechanosensitive ion channel component 1 (Er blood group); minus strand). Cytogenetic location: 16q24.3.
Variant type: single nucleotide variant.
Coding change: c.1998-3C>T on transcript NM_001142864.4 (MANE Select); 3 bases into the intron before coding-DNA position 1998, C replaced by T.
Molecular consequence: intron variant.
Genome position (GRCh38, 1-based): chr16:88,734,541, G>A on the plus strand (C>T on the coding strand, the complement: PIEZO1 is on the minus strand). VCF-style: chr16-88734541-G-A. GRCh37 (hg19) VCF-style: chr16-88800949-G-A.
Identifiers: ClinVar variation 3671756 (VCV003671756.3).